The following is an entry in ClinVar:

ClinVar aggregate classification (germline): Conflicting classifications of pathogenicity. Review status: criteria provided, conflicting classifications (1 of 4 stars). 2 submissions from 2 submitters: Uncertain significance (1); Likely benign (1). Last evaluated 2025-10-27.

Conditions:
USP48-related condition.

Allele frequency attached by ClinVar (database versions not stated): gnomAD exomes 0.00002; ExAC 0.00016; gnomAD 0.00038; TOPMed 0.00044; ESP Exome Variant Server 0.00085.
gnomAD v4.1: 98 of 1,613,296 alleles (0.0061%); highest among the groups gnomAD compares: African/African-American, 0.1%; no homozygotes.

Submissions (4):

PreventionGenetics, part of Exact Sciences
Classification: Likely benign for USP48-related condition. Last evaluated: 2025-10-27. Review status: criteria provided, single submitter. Criteria: ACMG Guidelines, 2015. Collection method: clinical testing. Allele origin: germline.
Comment: This variant is classified as likely benign based on ACMG/AMP sequence variant interpretation guidelines (Richards et al. 2015 PMID: 25741868, with internal and published modifications).

Ambry Genetics
Classification: Uncertain significance. Last evaluated: 2023-02-06. Review status: criteria provided, single submitter. Criteria: Ambry Variant Classification Scheme 2023. Collection method: clinical testing. Allele origin: germline.

Dr. Peter K. Rogan Lab, Western University
No classification provided (evidence only). Condition: Acute myeloid leukemia. Review status: no classification provided. Collection method: in vitro. Allele origin: not applicable. Functional consequence: retained intron. Not counted in ClinVar's aggregate classification.

Dr. Peter K. Rogan Lab, Western University
No classification provided (evidence only). Condition: Ovarian serous cystadenocarcinoma. Review status: no classification provided. Collection method: in vitro. Allele origin: not applicable. Functional consequence: retained intron. Not counted in ClinVar's aggregate classification.

NM_032236.8(USP48):c.671A>G (p.Asn224Ser)

Gene: USP48 (ubiquitin specific peptidase 48; minus strand). Cytogenetic location: 1p36.12.
Variant type: single nucleotide variant.
Coding change: c.671A>G on transcript NM_032236.8 (MANE Select); coding-DNA position 671, A replaced by G.
Protein change: p.Asn224Ser; replaces asparagine 224 with serine.
Molecular consequence: missense variant.
Genome position (GRCh38, 1-based): chr1:21,751,610, T>C on the plus strand (A>G on the coding strand, the complement: USP48 is on the minus strand). VCF-style: chr1-21751610-T-C. GRCh37 (hg19) VCF-style: chr1-22078103-T-C.
Other names: NC_000001.10:g.22078103T>C; c.671A>G, p.Asn224Ser (NM_001032730.3, NM_001330394.3, NM_001350164.2 and 3 more transcripts); c.671A>G (NM_032236.6); short protein forms N224S.
Identifiers: ClinVar variation 2469714 (VCV002469714.4), dbSNP rs139458629, ClinGen allele CA668661.
Genomic context (GRCh38, chr1:21,751,610, plus strand): 5'-TGGATATTTAACTCCAGCTCATAAAATTTTGACAAAAGCTTAGACTCTCTGCCACACTGG[T>C]TGCAACTATAATAAAACAGAACGACAAAATTCAGATCAGAGTGTGAAAAGCAACAAAGTT-3'
Protein context (NP_115612.4, residues 214-234): CGEYAYVTVC[Asn224Ser]QCGRESKLLS